The following is an entry in ClinVar:

ClinVar aggregate classification (germline): Uncertain significance (1 of 4 stars; one submission).

Conditions:
Mucopolysaccharidosis type 6 (MPS6). Also called: N-ACETYLGALACTOSAMINE-4-SULFATASE DEFICIENCY; MPS VI; MPS 6; Maroteaux Lamy syndrome; ARSB DEFICIENCY; ARYLSULFATASE B DEFICIENCY. Identifiers: Orphanet 583, MedGen C0026709, MONDO:0009661, OMIM 253200.

Submission:

Laboratory of Diagnosis and Therapy of Lysosomal Disorders, University of Padova
Classification: Uncertain significance for Mucopolysaccharidosis type 6. Last evaluated: 2018-01-01. Review status: criteria provided, single submitter. Criteria: ACMG Guidelines, 2015. Collection method: curation. Allele origin: germline. Affected: yes.
Comment: Absent from GnomAD (PM2)

Literature cited by the submitters: PubMed 17458871; PubMed 30118150.

NM_000046.5(ARSB):c.418A>C (p.Thr140Pro)

Gene: ARSB (arylsulfatase B; minus strand). Cytogenetic location: 5q14.1.
Variant type: single nucleotide variant.
Coding change: c.418A>C on transcript NM_000046.5 (MANE Select); coding-DNA position 418, A replaced by C.
Protein change: p.Thr140Pro; replaces threonine 140 with proline.
Molecular consequence: missense variant.
Genome position (GRCh38, 1-based): chr5:78,969,087, T>G on the plus strand (A>C on the coding strand, the complement: ARSB is on the minus strand). VCF-style: chr5-78969087-T-G. GRCh37 (hg19) VCF-style: chr5-78264910-T-G.
Other names: c.418A>C, p.Thr140Pro (NM_198709.3); short protein forms T140P.
Identifiers: ClinVar variation 559780 (VCV000559780.1), dbSNP rs1554088058, ClinGen allele CA360194127.